The following is an entry in ClinVar:

ClinVar aggregate classification (germline): Benign (1 of 4 stars; one submission).

Submission:

GeneDx
Classification: Benign. Last evaluated: 2014-07-16. Review status: criteria provided, single submitter. Criteria: GeneDx Variant Classification (06012015). Collection method: clinical testing. Allele origin: germline. Affected: yes.
Comment: This variant is considered likely benign or benign based on one or more of the following criteria: it is a conservative change, it occurs at a poorly conserved position in the protein, it is predicted to be benign by multiple in silico algorithms, and/or has population frequency not consistent with disease.

NM_001195248.2(APTX):c.-5+4314A>T

Gene: APTX (aprataxin; minus strand). Cytogenetic location: 9p21.1.
Variant type: single nucleotide variant.
Coding change: c.-5+4314A>T on transcript NM_001195248.2 (MANE Select); 4314 bases into the intron after 5 bases upstream of the start codon, A replaced by T.
Molecular consequence: intron variant. On other transcripts: 5 prime UTR variant (3).
Genome position (GRCh38, 1-based): chr9:32,997,253, T>A on the plus strand (A>T on the coding strand, the complement: APTX is on the minus strand). VCF-style: chr9-32997253-T-A. GRCh37 (hg19) VCF-style: chr9-32997251-T-A.
Other names: c.-15A>T (NM_001195251.2, NM_175073.3); c.-274A>T (NM_001369005.1); c.-4-7358A>T (NM_001369001.1, NM_001368996.1, NM_001368995.1 and 3 more transcripts); c.-263-7358A>T (NM_001369002.1, NM_001369003.1); c.-5+4314A>T (NM_001195250.2, NM_001195252.2, NM_175069.3); c.-222+4314A>T (NM_001369004.1); c.-264+4314A>T (NM_001370669.1, NM_001369006.1); c.-5+4263A>T (NM_001195254.2, NM_001368998.1); and 3 more.
Identifiers: ClinVar variation 214124 (VCV000214124.1), dbSNP rs863223908, ClinGen allele CA320156.
Genomic context (GRCh38, chr9:32,997,253, plus strand): 5'-GAGCCCAGCCTTCAAAAAACTCAGCCTTAGCCAGGCATGGTGGCACGTACCTGTAGTCCC[T>A]GCTACTTGGGAGACTGAGGTGGAAGGATTGCTTGAGCCTAGGGGTTCAAGTCCAGCTTGG-3'